The following is an entry in ClinVar:

NM_000059.4(BRCA2):c.317-8T>C

Gene: BRCA2 (BRCA2 DNA repair associated; plus strand). Cytogenetic location: 13q13.1.
Variant type: single nucleotide variant.
Coding change: c.317-8T>C on transcript NM_000059.4 (MANE Select); 8 bases into the intron before coding-DNA position 317, T replaced by C.
Molecular consequence: intron variant.
Genome position (GRCh38, 1-based): chr13:32,325,068, T>C. VCF-style: chr13-32325068-T-C. GRCh37 (hg19) VCF-style: chr13-32899205-T-C.
Other names: c.317-8T>C (NM_001406720.1, NM_001406719.1, NM_001406721.1); c.-53-8T>C (NM_001406722.1).
Identifiers: ClinVar variation 2920721 (VCV002920721.3), dbSNP rs2548513921, ClinGen allele CA2622599900.
Genomic context (GRCh38, chr13:32,325,068, plus strand): 5'-ACTTCCAAAGAATGCAAATTTATAATCCAGAGTATATACATTCTCACTGAATTATTGTAC[T>C]GTTTCAGGAAGGAATGTTCCCAATAGTAGACATAAAAGTCTTCGCACAGTGAAAACTAAA-3'

ClinVar aggregate classification (germline): Conflicting classifications of pathogenicity. Review status: criteria provided, conflicting classifications (1 of 4 stars). 2 submissions from 2 submitters: Uncertain significance (1); Likely benign (1). Last evaluated 2024-08-21.

Conditions:
Hereditary breast ovarian cancer syndrome. Also called: Hereditary breast and/or ovarian cancer syndrome; Hereditary breast and ovarian cancer syndrome; Hereditary breast and ovarian cancer; BRCA1- and BRCA2-Associated Hereditary Breast and Ovarian Cancer; Hereditary breast and ovarian cancer syndrome (HBOC); Breast and ovarian cancer. Identifiers: Orphanet 145, MedGen C0677776, MeSH D061325, MONDO:0003582. Disease mechanism: loss of function.
Familial cancer of breast. Also called: Hereditary breast cancer; BREAST CANCER, FAMILIAL; hereditary breast carcinoma. Identifiers: Orphanet 227535, MedGen C0346153, MONDO:0016419, OMIM 114480. Disease mechanism: loss of function.

Submissions (2):

Labcorp Genetics (formerly Invitae), Labcorp
Classification: Likely benign for Hereditary breast ovarian cancer syndrome. Last evaluated: 2024-08-21. Review status: criteria provided, single submitter. Criteria: Invitae Variant Classification Sherloc (09022015). Collection method: clinical testing. Allele origin: germline.

MGZ Medical Genetics Center
Classification: Uncertain significance for Familial cancer of breast. Last evaluated: 2024-02-09. Review status: criteria provided, single submitter. Criteria: CSpec BRCA1/2ACMG Rules Specifications V1.1.0. Collection method: clinical testing. Allele origin: germline. Affected: yes.
Comment: ACMG codes applied following ENIGMA VCEP rules: PM2_SUP, BP4